The following is an entry in ClinVar:

ClinVar aggregate classification (germline): Uncertain significance (1 of 4 stars; one submission).

Conditions:
Neutral lipid storage myopathy (NLSDM). Also called: NEUTRAL LIPID STORAGE DISEASE WITHOUT ICHTHYOSIS. Identifiers: Orphanet 98908, MedGen C1853136, MONDO:0012545, OMIM 610717.

Allele frequency attached by ClinVar (database versions not stated): gnomAD 0.00001; gnomAD exomes 0.00001; TOPMed 0.00001.

Submission:

Labcorp Genetics (formerly Invitae), Labcorp
Classification: Uncertain significance for Neutral lipid storage myopathy. Last evaluated: 2025-07-21. Review status: criteria provided, single submitter. Criteria: Invitae Variant Classification Sherloc (09022015). Collection method: clinical testing. Allele origin: germline.
Comment: This sequence change replaces alanine, which is neutral and non-polar, with threonine, which is neutral and polar, at codon 53 of the PNPLA2 protein (p.Ala53Thr). The frequency data for this variant in the population databases is considered unreliable, as metrics indicate poor data quality at this position in the gnomAD database. This variant has not been reported in the literature in individuals affected with PNPLA2-related conditions. ClinVar contains an entry for this variant (Variation ID: 1508984). Invitae Evidence Modeling of protein sequence and biophysical properties (such as structural, functional, and spatial information, amino acid conservation, physicochemical variation, residue mobility, and thermodynamic stability) indicates that this missense variant is expected to disrupt PNPLA2 protein function with a positive predictive value of 80%. In summary, the available evidence is currently insufficient to determine the role of this variant in disease. Therefore, it has been classified as a Variant of Uncertain Significance.

NM_020376.4(PNPLA2):c.157G>A (p.Ala53Thr)

Genes: PNPLA2 (patatin like domain 2, triacylglycerol lipase; plus strand), LOC130005097 (ATAC-STARR-seq lymphoblastoid silent region 3036; plus strand). Cytogenetic location: 11p15.5.
Variant type: single nucleotide variant.
Coding change: c.157G>A on transcript NM_020376.4 (MANE Select); coding-DNA position 157, G replaced by A.
Protein change: p.Ala53Thr; replaces alanine 53 with threonine.
Molecular consequence: missense variant.
Genome position (GRCh38, 1-based): chr11:819,875, G>A. VCF-style: chr11-819875-G-A. GRCh37 (hg19) VCF-style: chr11-819875-G-A.
Other names: short protein forms A53T.
Identifiers: ClinVar variation 1508984 (VCV001508984.6), dbSNP rs1406546138, ClinGen allele CA378977153.